The following is an entry in ClinVar:

ClinVar aggregate classification (germline): Uncertain significance (1 of 4 stars; one submission).

Conditions:
Beckwith-Wiedemann syndrome (BWS). Also called: Exomphalos macroglossia gigantism syndrome; EMG SYNDROME. Identifiers: Orphanet 116, MedGen C0004903, MONDO:0007534, OMIM 130650.

Allele frequency attached by ClinVar (database versions not stated): gnomAD exomes below 0.00001.

Submission:

Labcorp Genetics (formerly Invitae), Labcorp
Classification: Uncertain significance for Beckwith-Wiedemann syndrome. Last evaluated: 2021-10-07. Review status: criteria provided, single submitter. Criteria: Invitae Variant Classification Sherloc (09022015). Collection method: clinical testing. Allele origin: germline.
Comment: Algorithms developed to predict the effect of missense changes on protein structure and function are either unavailable or do not agree on the potential impact of this missense change (SIFT: "Tolerated"; PolyPhen-2: "Not Available"; Align-GVGD: "Class C0"). In summary, the available evidence is currently insufficient to determine the role of this variant in disease. Therefore, it has been classified as a Variant of Uncertain Significance. This variant has not been reported in the literature in individuals affected with CDKN1C-related conditions. This variant is not present in population databases (ExAC no frequency). This sequence change replaces lysine with arginine at codon 266 of the CDKN1C protein (p.Lys266Arg). The lysine residue is weakly conserved and there is a small physicochemical difference between lysine and arginine.

NM_001122630.2(CDKN1C):c.764A>G (p.Lys255Arg)

Gene: CDKN1C (cyclin dependent kinase inhibitor 1C; minus strand). Cytogenetic location: 11p15.4.
Variant type: single nucleotide variant.
Coding change: c.764A>G on transcript NM_001122630.2 (MANE Select); coding-DNA position 764, A replaced by G.
Protein change: p.Lys255Arg; replaces lysine 255 with arginine.
Molecular consequence: missense variant. On other transcripts: intron variant (1).
Genome position (GRCh38, 1-based): chr11:2,884,693, T>C on the plus strand (A>G on the coding strand, the complement: CDKN1C is on the minus strand). VCF-style: chr11-2884693-T-C. GRCh37 (hg19) VCF-style: chr11-2905923-T-C.
Other names: c.797A>G, p.Lys266Arg (NM_000076.2, NM_001362474.2); c.764A>G, p.Lys255Arg (NM_001122631.2); c.255+509A>G (NM_001362475.2); short protein forms K266R, K255R.
Identifiers: ClinVar variation 1385199 (VCV001385199.6), dbSNP rs2133782000, ClinGen allele CA379145558.